The following is an entry in ClinVar:

ClinVar aggregate classification (germline): Uncertain significance (1 of 4 stars; one submission).

Conditions:
Cardiovascular phenotype. Identifiers: MedGen CN230736.

Allele frequency attached by ClinVar (database versions not stated): gnomAD exomes below 0.00001; ExAC 0.00001; TOPMed 0.00001.
gnomAD v4.1: 1 of 1,611,420 alleles (0.000062%); highest among the groups gnomAD compares: East Asian, 0.0022%; no homozygotes.

Submission:

Ambry Genetics
Classification: Uncertain significance for Cardiovascular phenotype. Last evaluated: 2021-10-19. Review status: criteria provided, single submitter. Criteria: Ambry Variant Classification Scheme 2023. Collection method: clinical testing. Allele origin: germline.
Comment: The p.V3402M variant (also known as c.10204G>A), located in coding exon 70 of the RYR2 gene, results from a G to A substitution at nucleotide position 10204. The valine at codon 3402 is replaced by methionine, an amino acid with highly similar properties. This amino acid position is highly conserved in available vertebrate species. In addition, the in silico prediction for this alteration is inconclusive. Since supporting evidence is limited at this time, the clinical significance of this alteration remains unclear.

NM_001035.3(RYR2):c.10204G>A (p.Val3402Met)

Gene: RYR2 (ryanodine receptor 2; plus strand). Cytogenetic location: 1q43.
Variant type: single nucleotide variant.
Coding change: c.10204G>A on transcript NM_001035.3 (MANE Select); coding-DNA position 10204, G replaced by A.
Protein change: p.Val3402Met; replaces valine 3402 with methionine.
Molecular consequence: missense variant.
Genome position (GRCh38, 1-based): chr1:237,709,541, G>A. VCF-style: chr1-237709541-G-A. GRCh37 (hg19) VCF-style: chr1-237872841-G-A.
Other names: short protein forms V3402M.
Identifiers: ClinVar variation 1757299 (VCV001757299.2), dbSNP rs746122839, ClinGen allele CA084212.
Genomic context (GRCh38, chr1:237,709,541, plus strand): 5'-GCAAAGTGGCTAAAGGAGCCTAACCCAGAAGCAGAGGAGCTCTTCCGCATGGTGGCTGAA[G>A]TGTTTATCTACTGGTCGAAGTCCCATGTGAGTGTGAAAATATTGATAGATCACGCCTACT-3'
Protein context (NP_001026.2, residues 3392-3412): AEELFRMVAE[Val3402Met]FIYWSKSHNF